The following is an entry in ClinVar:

NM_001034853.2(RPGR):c.29-3C>T

Gene: RPGR (retinitis pigmentosa GTPase regulator; minus strand). Cytogenetic location: Xp11.4.
Variant type: single nucleotide variant.
Coding change: c.29-3C>T on transcript NM_001034853.2 (MANE Select); 3 bases into the intron before coding-DNA position 29, C replaced by T.
Molecular consequence: intron variant.
Genome position (GRCh38, 1-based): chrX:38,323,527, G>A on the plus strand (C>T on the coding strand, the complement: RPGR is on the minus strand). VCF-style: chrX-38323527-G-A. GRCh37 (hg19) VCF-style: chrX-38182780-G-A.
Other names: c.29-3C>T (NM_001367249.1, NM_001367250.1, NM_001367245.1 and 4 more transcripts); c.59-3C>T (NM_001367248.1).
Identifiers: ClinVar variation 2158815 (VCV002158815.4), dbSNP rs907567103, ClinGen allele CA327941714.

ClinVar aggregate classification (germline): Uncertain significance (1 of 4 stars; one submission).

Conditions:
Primary ciliary dyskinesia. Also called: Ciliary dyskinesia. Identifiers: Orphanet 244, MedGen C0008780, MONDO:0016575, HP:0012265.

Allele frequency attached by ClinVar (database versions not stated): TOPMed 0.00001; gnomAD 0.00002.

Submission:

Labcorp Genetics (formerly Invitae), Labcorp
Classification: Uncertain significance for Primary ciliary dyskinesia. Last evaluated: 2025-08-12. Review status: criteria provided, single submitter. Criteria: Invitae Variant Classification Sherloc (09022015). Collection method: clinical testing. Allele origin: germline.
Comment: This sequence change falls in intron 1 of the RPGR gene. It does not directly change the encoded amino acid sequence of the RPGR protein. It affects a nucleotide within the consensus splice site. The frequency data for this variant in the population databases is considered unreliable, as metrics indicate poor data quality at this position in the gnomAD database. This variant has not been reported in the literature in individuals affected with RPGR-related conditions. ClinVar contains an entry for this variant (Variation ID: 2158815). Variants that disrupt the consensus splice site are a relatively common cause of aberrant splicing (PMID: 17576681, 9536098). Algorithms developed to predict the effect of sequence changes on RNA splicing suggest that this variant may disrupt the consensus splice site. In summary, the available evidence is currently insufficient to determine the role of this variant in disease. Therefore, it has been classified as a Variant of Uncertain Significance.

Literature cited by the submitters: PubMed 17576681; PubMed 9536098.